The following is an entry in ClinVar:

ClinVar aggregate classification (germline): Uncertain significance. Review status: criteria provided, multiple submitters, no conflicts (2 of 4 stars). 2 submissions from 2 submitters: Uncertain significance (2). Last evaluated 2025-10-23.

Conditions:
Hereditary nonpolyposis colorectal neoplasms. Identifiers: MedGen C0009405, MeSH D003123.
Hereditary cancer-predisposing syndrome. Also called: Tumor predisposition; Hereditary neoplastic syndrome; Neoplastic Syndromes, Hereditary; Hereditary Cancer Syndrome. Identifiers: Orphanet 140162, MedGen C0027672, MeSH D009386, MONDO:0015356.

Submissions (2):

Ambry Genetics
Classification: Uncertain significance for Hereditary cancer-predisposing syndrome. Last evaluated: 2025-10-23. Review status: criteria provided, single submitter. Criteria: Ambry Variant Classification Scheme 2023. Collection method: clinical testing. Allele origin: germline.
Comment: The p.K22T variant (also known as c.65A>C), located in coding exon 1 of the MSH6 gene, results from an A to C substitution at nucleotide position 65. The lysine at codon 22 is replaced by threonine, an amino acid with similar properties. This amino acid position is conserved. In addition, this alteration is predicted to be tolerated by in silico analysis. Since supporting evidence is limited at this time, the clinical significance of this alteration remains unclear.

Labcorp Genetics (formerly Invitae), Labcorp
Classification: Uncertain significance for Hereditary nonpolyposis colorectal neoplasms. Last evaluated: 2024-08-28. Review status: criteria provided, single submitter. Criteria: Invitae Variant Classification Sherloc (09022015). Collection method: clinical testing. Allele origin: germline.
Comment: This sequence change replaces lysine, which is basic and polar, with threonine, which is neutral and polar, at codon 22 of the MSH6 protein (p.Lys22Thr). This variant is not present in population databases (gnomAD no frequency). This variant has not been reported in the literature in individuals affected with MSH6-related conditions. ClinVar contains an entry for this variant (Variation ID: 846309). Invitae Evidence Modeling of protein sequence and biophysical properties (such as structural, functional, and spatial information, amino acid conservation, physicochemical variation, residue mobility, and thermodynamic stability) indicates that this missense variant is not expected to disrupt MSH6 protein function with a negative predictive value of 95%. In summary, the available evidence is currently insufficient to determine the role of this variant in disease. Therefore, it has been classified as a Variant of Uncertain Significance.

NM_000179.3(MSH6):c.65A>C (p.Lys22Thr)

Gene: MSH6 (mutS homolog 6; plus strand). Cytogenetic location: 2p16.3.
Variant type: single nucleotide variant.
Coding change: c.65A>C on transcript NM_000179.3 (MANE Select); coding-DNA position 65, A replaced by C.
Protein change: p.Lys22Thr; replaces lysine 22 with threonine.
Molecular consequence: missense variant. On other transcripts: 5 prime UTR variant (1).
Genome position (GRCh38, 1-based): chr2:47,783,298, A>C. VCF-style: chr2-47783298-A-C. GRCh37 (hg19) VCF-style: chr2-48010437-A-C.
Other names: c.65A>C, p.Lys22Thr (NM_001281492.2); c.-672A>C (NM_001281493.2); short protein forms K22T.
Identifiers: ClinVar variation 846309 (VCV000846309.13), dbSNP rs1668115116, ClinGen allele CA346734576.
Genomic context (GRCh38, chr2:47,783,298, plus strand): 5'-CGCGACAGAGCACCCTGTACAGCTTCTTCCCCAAGTCTCCGGCGCTGAGTGATGCCAACA[A>C]GGCCTCGGCCAGGGCCTCACGCGAAGGCGGCCGTGCCGCCGCTGCCCCCGGGGCCTCTCC-3'
Protein context (NP_000170.1, residues 12-32): PKSPALSDAN[Lys22Thr]ASARASREGG